The following is an entry in ClinVar:

NM_014251.3(SLC25A13):c.1525G>A (p.Ala509Thr)

Gene: SLC25A13 (solute carrier family 25 member 13; minus strand). Cytogenetic location: 7q21.3.
Variant type: single nucleotide variant.
Coding change: c.1525G>A on transcript NM_014251.3 (MANE Select); coding-DNA position 1525, G replaced by A.
Protein change: p.Ala509Thr; replaces alanine 509 with threonine.
Molecular consequence: missense variant. On other transcripts: non-coding transcript variant (1).
Genome position (GRCh38, 1-based): chr7:96,131,809, C>T on the plus strand (G>A on the coding strand, the complement: SLC25A13 is on the minus strand). VCF-style: chr7-96131809-C-T. GRCh37 (hg19) VCF-style: chr7-95761121-C-T.
Other names: c.1528G>A, p.Ala510Thr (NM_001160210.2); short protein forms A509T, A510T.
Identifiers: ClinVar variation 4996849 (VCV004996849.1).

ClinVar aggregate classification (germline): Uncertain significance (1 of 4 stars; one submission).

Conditions:
SLC25A13-related disorder. Also called: SLC25A13-related condition.

Submission:

PreventionGenetics, part of Exact Sciences
Classification: Uncertain significance for SLC25A13-related condition. Last evaluated: 2025-03-19. Review status: criteria provided, single submitter. Criteria: ACMG Guidelines, 2015. Collection method: clinical testing. Allele origin: germline.
Comment: The SLC25A13 c.1525G>A variant is predicted to result in the amino acid substitution p.Ala509Thr. To our knowledge, this variant has not been reported in the literature. This variant is reported in 0.0054% of alleles in individuals of East Asian descent in gnomAD. At this time, the clinical significance of this variant is uncertain due to the absence of conclusive functional and genetic evidence.